The following is an entry in ClinVar:

NM_001370259.2(MEN1):c.1340T>C (p.Phe447Ser)

Gene: MEN1 (menin 1; minus strand). Cytogenetic location: 11q13.1.
Variant type: single nucleotide variant.
Coding change: c.1340T>C on transcript NM_001370259.2 (MANE Select); coding-DNA position 1340, T replaced by C.
Protein change: p.Phe447Ser; replaces phenylalanine 447 with serine.
Molecular consequence: missense variant.
Genome position (GRCh38, 1-based): chr11:64,805,044, A>G on the plus strand (T>C on the coding strand, the complement: MEN1 is on the minus strand). VCF-style: chr11-64805044-A-G. GRCh37 (hg19) VCF-style: chr11-64572516-A-G.
Other names: c.1355T>C, p.Phe452Ser (NM_000244.4, NM_130800.3, NM_130801.3 and 3 more transcripts); c.1466T>C, p.Phe489Ser (NM_001370251.2); c.1340T>C, p.Phe447Ser (NM_001370260.2, NM_001370261.2, NM_130799.3); c.1235T>C, p.Phe412Ser (NM_001370262.2, NM_001370263.2); short protein forms F489S, F447S, F412S, F452S.
Identifiers: ClinVar variation 964090 (VCV000964090.10), dbSNP rs1941604532, ClinGen allele CA381180069.
Genomic context (GRCh38, chr11:64,805,044, plus strand): 5'-GCTGCTGTCACCACCTGTAGTGCCCAGACCTCTGTGCAGCTGTCCCTCACCTGTCCCTCA[A>G]AACGGCCTAGGGACTGCACAAGAAAGGTGGCCCAGCCCACATGCAGCACAGGCGTGGGAC-3'
Protein context (NP_001357188.2, residues 437-457): ATFLVQSLGR[Phe447Ser]EGQVRQKVRI

ClinVar aggregate classification (germline): Likely pathogenic. Review status: criteria provided, multiple submitters, no conflicts (2 of 4 stars). 2 submissions from 2 submitters: Likely pathogenic (2). Last evaluated 2023-08-28.

Conditions:
Multiple endocrine neoplasia, type 1 (MEN1). Also called: MEN I; WERMER SYNDROME; Endocrine adenomatosis multiple; MEN 1; MEA I. Identifiers: Orphanet 652, MedGen C0025267, MeSH D018761, MONDO:0007540, OMIM 131100.

Submissions (2):

Labcorp Genetics (formerly Invitae), Labcorp
Classification: Likely pathogenic for Multiple endocrine neoplasia, type 1. Last evaluated: 2023-08-28. Review status: criteria provided, single submitter. Criteria: Invitae Variant Classification Sherloc (09022015). Collection method: clinical testing. Allele origin: germline.
Comment: This sequence change replaces phenylalanine, which is neutral and non-polar, with serine, which is neutral and polar, at codon 447 of the MEN1 protein (p.Phe447Ser). This variant is not present in population databases (gnomAD no frequency). This missense change has been observed in individuals with clinical features of multiple endocrine neoplasia type 1 and/or parathyroid gland tumors and/or pituitary adenoma (PMID: 9215689, 21916912, 22577108, 29497973). This variant is also known as c.1355T>C (p.F452S ). ClinVar contains an entry for this variant (Variation ID: 964090). Advanced modeling of protein sequence and biophysical properties (such as structural, functional, and spatial information, amino acid conservation, physicochemical variation, residue mobility, and thermodynamic stability) performed at Invitae indicates that this missense variant is expected to disrupt MEN1 protein function. Experimental studies are conflicting or provide insufficient evidence to determine the effect of this variant on MEN1 function (PMID: 12509449, 22090276). In summary, the currently available evidence indicates that the variant is pathogenic, but additional data are needed to prove that conclusively. Therefore, this variant has been classified as Likely Pathogenic.

Women's Health and Genetics/Laboratory Corporation of America, LabCorp
Classification: Likely pathogenic for Multiple endocrine neoplasia, type 1. Last evaluated: 2022-11-14. Review status: criteria provided, single submitter. Criteria: LabCorp Variant Classification Summary - May 2015. Collection method: clinical testing. Allele origin: germline.
Comment: Variant summary: MEN1 c.1340T>C (p.Phe447Ser) results in a non-conservative amino acid change in the encoded protein sequence. Five of five in-silico tools predict a damaging effect of the variant on protein function. The variant was absent in 250974 control chromosomes (gnomAD). c.1340T>C has been reported in the literature in individuals affected with Multiple Endocrine Neoplasia Type 1 (e.g. Agarwal_1997, Filopanti_2012). These data indicate that the variant may be associated with disease. Experimental evidence evaluating an impact on protein function demonstrated the variant retains the ability to interact with both RPA2 and JunD (Sukhodolets_2003), however during a 4-hour addition of cycloheximide to inhibit de novo protein synthesis the variant was unstable and degraded rapidly within 2 hours (Canaff_2012). One clinical diagnostic laboratory has submitted clinical-significance assessments for this variant to ClinVar after 2014 without evidence for independent evaluation and classified the variant as uncertain significance. Based on the evidence outlined above, the variant was classified as likely pathogenic.

Literature cited by the submitters: PubMed 9215689 (cited by Labcorp Genetics (formerly Invitae), Labcorp and Women's Health and Genetics/Laboratory Corporation of America, LabCorp); PubMed 21916912 (cited by Labcorp Genetics (formerly Invitae), Labcorp and Women's Health and Genetics/Laboratory Corporation of America, LabCorp); PubMed 22577108 (cited by Labcorp Genetics (formerly Invitae), Labcorp and Women's Health and Genetics/Laboratory Corporation of America, LabCorp); PubMed 29497973 (cited by Labcorp Genetics (formerly Invitae), Labcorp and Women's Health and Genetics/Laboratory Corporation of America, LabCorp); PubMed 12509449 (cited by Labcorp Genetics (formerly Invitae), Labcorp and Women's Health and Genetics/Laboratory Corporation of America, LabCorp); PubMed 22090276 (cited by Labcorp Genetics (formerly Invitae), Labcorp and Women's Health and Genetics/Laboratory Corporation of America, LabCorp).